The following is an entry in ClinVar:

NM_001905.4(CTPS1):c.568G>A (p.Gly190Arg)

Gene: CTPS1 (CTP synthase 1; plus strand). Cytogenetic location: 1p34.2.
Variant type: single nucleotide variant.
Coding change: c.568G>A on transcript NM_001905.4 (MANE Select); coding-DNA position 568, G replaced by A.
Protein change: p.Gly190Arg; replaces glycine 190 with arginine.
Molecular consequence: missense variant. On other transcripts: non-coding transcript variant (1).
Genome position (GRCh38, 1-based): chr1:40,991,177, G>A. VCF-style: chr1-40991177-G-A. GRCh37 (hg19) VCF-style: chr1-41456849-G-A.
Other names: c.100G>A, p.Gly34Arg (NM_001301237.2); short protein forms G34R, G190R.
Identifiers: ClinVar variation 2005778 (VCV002005778.4), dbSNP rs2524276938, ClinGen allele CA339903050.

ClinVar aggregate classification (germline): Uncertain significance (1 of 4 stars; one submission).

Conditions:
Combined immunodeficiency due to CTPS1 deficiency. Also called: Severe combined immunodeficiency due to CTPS1 deficiency; Immunodeficiency 24. Identifiers: Orphanet 420573, MedGen C4014617, MONDO:0014391, OMIM 615897.

Submission:

Labcorp Genetics (formerly Invitae), Labcorp
Classification: Uncertain significance for Combined immunodeficiency due to CTPS1 deficiency. Last evaluated: 2022-11-08. Review status: criteria provided, single submitter. Criteria: Invitae Variant Classification Sherloc (09022015). Collection method: clinical testing. Allele origin: germline.
Comment: This variant is not present in population databases (gnomAD no frequency). In summary, the available evidence is currently insufficient to determine the role of this variant in disease. Therefore, it has been classified as a Variant of Uncertain Significance. Algorithms developed to predict the effect of missense changes on protein structure and function output the following: SIFT: "Deleterious"; PolyPhen-2: "Possibly Damaging"; Align-GVGD: "Class C65". The arginine amino acid residue is found in multiple mammalian species, which suggests that this missense change does not adversely affect protein function. This variant has not been reported in the literature in individuals affected with CTPS1-related conditions. This sequence change replaces glycine, which is neutral and non-polar, with arginine, which is basic and polar, at codon 190 of the CTPS1 protein (p.Gly190Arg).